The following is an entry in ClinVar:

ClinVar aggregate classification (germline): Uncertain significance. Review status: criteria provided, multiple submitters, no conflicts (2 of 4 stars). 2 submissions from 2 submitters: Uncertain significance (2). Last evaluated 2023-04-28.

Conditions:
Hereditary cancer-predisposing syndrome. Also called: Tumor predisposition; Hereditary neoplastic syndrome; Hereditary Cancer Syndrome; Neoplastic Syndromes, Hereditary. Identifiers: Orphanet 140162, MedGen C0027672, MeSH D009386, MONDO:0015356.

Submissions (2):

Ambry Genetics
Classification: Uncertain significance for Hereditary cancer-predisposing syndrome. Last evaluated: 2023-04-28. Review status: criteria provided, single submitter. Criteria: Ambry Variant Classification Scheme 2023. Collection method: clinical testing. Allele origin: germline.
Comment: The p.R2127G variant (also known as c.6379C>G), located in coding exon 46 of the POLE gene, results from a C to G substitution at nucleotide position 6379. The arginine at codon 2127 is replaced by glycine, an amino acid with dissimilar properties. This amino acid position is conserved. In addition, the in silico prediction for this alteration is inconclusive. Since supporting evidence is limited at this time, the clinical significance of this alteration remains unclear.

Labcorp Genetics (formerly Invitae), Labcorp
Classification: Uncertain significance. Last evaluated: 2018-04-17. Review status: criteria provided, single submitter. Criteria: Invitae Variant Classification Sherloc (09022015). Collection method: clinical testing. Allele origin: germline.
Comment: In summary, the available evidence is currently insufficient to determine the role of this variant in disease. Therefore, it has been classified as a Variant of Uncertain Significance. Algorithms developed to predict the effect of missense changes on protein structure and function do not agree on the potential impact of this missense change (SIFT: "Tolerated"; PolyPhen-2: "Possibly Damaging"; Align-GVGD: "Class C0"). This variant has not been reported in the literature in individuals with POLE-related disease. This variant is not present in population databases (ExAC no frequency). This sequence change replaces arginine with glycine at codon 2127 of the POLE protein (p.Arg2127Gly). The arginine residue is moderately conserved and there is a moderate physicochemical difference between arginine and glycine.

NM_006231.4(POLE):c.6379C>G (p.Arg2127Gly)

Gene: POLE (DNA polymerase epsilon, catalytic subunit; minus strand). Cytogenetic location: 12q24.33.
Variant type: single nucleotide variant.
Coding change: c.6379C>G on transcript NM_006231.4 (MANE Select); coding-DNA position 6379, C replaced by G.
Protein change: p.Arg2127Gly; replaces arginine 2127 with glycine.
Molecular consequence: missense variant.
Genome position (GRCh38, 1-based): chr12:132,626,269, G>C on the plus strand (C>G on the coding strand, the complement: POLE is on the minus strand). VCF-style: chr12-132626269-G-C. GRCh37 (hg19) VCF-style: chr12-133202855-G-C.
Other names: c.6379C>G (NM_006231.2); short protein forms R2127G.
Identifiers: ClinVar variation 575966 (VCV000575966.10), dbSNP rs1057517583, ClinGen allele CA387367753.